The following is an entry in ClinVar:

ClinVar aggregate classification (germline): Likely benign. Review status: criteria provided, multiple submitters, no conflicts (2 of 4 stars). 2 submissions from 2 submitters: Likely benign (2). Last evaluated 2025-01-06.

Conditions:
Familial cancer of breast. Also called: hereditary breast carcinoma; BREAST CANCER, FAMILIAL; Hereditary breast cancer. Identifiers: Orphanet 227535, MedGen C0346153, MONDO:0016419, OMIM 114480. Disease mechanism: loss of function.

Allele frequency attached by ClinVar (database versions not stated): gnomAD exomes below 0.00001.
gnomAD v4.1: 4 of 1,611,680 alleles (0.00025%); highest among the groups gnomAD compares: Non-Finnish European, 0.00034%; no homozygotes.

Submissions (2):

Labcorp Genetics (formerly Invitae), Labcorp
Classification: Likely benign for Familial cancer of breast. Last evaluated: 2025-01-06. Review status: criteria provided, single submitter. Criteria: Invitae Variant Classification Sherloc (09022015). Collection method: clinical testing. Allele origin: germline.

Myriad Genetics, Inc.
Classification: Likely benign for Familial cancer of breast. Last evaluated: 2024-07-29. Review status: criteria provided, single submitter. Criteria: Myriad Autosomal Dominant, Autosomal Recessive and X-Linked Classification Criteria (2023). Collection method: clinical testing. Allele origin: unknown.
Comment: This variant is considered likely benign. This variant is intronic and is not expected to impact mRNA splicing.

NM_000465.4(BARD1):c.2002-18G>A

Gene: BARD1 (BRCA1 associated RING domain 1; minus strand). Cytogenetic location: 2q35.
Variant type: single nucleotide variant.
Coding change: c.2002-18G>A on transcript NM_000465.4 (MANE Select); 18 bases into the intron before coding-DNA position 2002, G replaced by A.
Molecular consequence: intron variant.
Genome position (GRCh38, 1-based): chr2:214,729,026, C>T on the plus strand (G>A on the coding strand, the complement: BARD1 is on the minus strand). VCF-style: chr2-214729026-C-T. GRCh37 (hg19) VCF-style: chr2-215593750-C-T.
Other names: c.592-18G>A (NM_001282548.2); c.1945-18G>A (NM_001282543.2); c.649-18G>A (NM_001282545.2); c.463-18G>A (NM_001282549.2).
Identifiers: ClinVar variation 2907347 (VCV002907347.4), dbSNP rs2105988099, ClinGen allele CA2662970718.
Genomic context (GRCh38, chr2:214,729,026, plus strand): 5'-TTCCCCACAAATAGAAGTAGCATCCATCAAACAGCTTTGGCAACTGAAATAATGAGAAAA[C>T]ATTTGTTAAAGGCAGATCAAAATACTGTATTCAAAAACACTGTATATGAATGAGGAAAAT-3'